The following is an entry in ClinVar:

ClinVar aggregate classification (germline): Uncertain significance (1 of 4 stars; one submission).

Submission:

Greenwood Genetic Center Diagnostic Laboratories, Greenwood Genetic Center
Classification: Uncertain significance. Last evaluated: 2022-09-29. Review status: criteria provided, single submitter. Criteria: ACMG Guidelines, 2015. Collection method: clinical testing. Allele origin: germline. Affected: yes.
Comment: Gene of Uncertain Significance

NM_001144937.3(FNDC7):c.913G>C (p.Val305Leu)

Gene: FNDC7 (fibronectin type III domain containing 7; plus strand). Cytogenetic location: 1p13.3.
Variant type: single nucleotide variant.
Coding change: c.913G>C on transcript NM_001144937.3 (MANE Select); coding-DNA position 913, G replaced by C.
Protein change: p.Val305Leu; replaces valine 305 with leucine.
Molecular consequence: missense variant.
Genome position (GRCh38, 1-based): chr1:108,725,806, G>C. VCF-style: chr1-108725806-G-C. GRCh37 (hg19) VCF-style: chr1-109268428-G-C.
Other names: short protein forms V305L.
Identifiers: ClinVar variation 1710425 (VCV001710425.3), dbSNP rs2524383007, ClinGen allele CA341443696.